The following is an entry in ClinVar:

ClinVar aggregate classification (germline): Uncertain significance (1 of 4 stars; one submission).

Submission:

GeneDx
Classification: Uncertain significance. Last evaluated: 2024-04-16. Review status: criteria provided, single submitter. Criteria: GeneDx Variant Classification Process June 2021. Collection method: clinical testing. Allele origin: germline. Affected: yes.
Comment: Not observed at significant frequency in large population cohorts (gnomAD); In silico analysis supports that this missense variant has a deleterious effect on protein structure/function; Has not been previously published as pathogenic or benign to our knowledge

NM_181675.4(PPP2R2B):c.1030T>A (p.Cys344Ser)

Genes: CTB-99A3.1 (uncharacterized CTB-99A3.1; plus strand), PPP2R2B (protein phosphatase 2 regulatory subunit Bbeta; minus strand). Cytogenetic location: 5q32.
Variant type: single nucleotide variant.
Coding change: c.1030T>A on transcript NM_181675.4 (MANE Select); coding-DNA position 1030, T replaced by A.
Protein change: p.Cys344Ser; replaces cysteine 344 with serine.
Molecular consequence: missense variant.
Genome position (GRCh38, 1-based): chr5:146,592,993, A>T on the plus strand (T>A on the coding strand, the complement: PPP2R2B is on the minus strand). VCF-style: chr5-146592993-A-T. GRCh37 (hg19) VCF-style: chr5-145972556-A-T.
Other names: c.1048T>A, p.Cys350Ser (NM_001271899.1); c.1204T>A, p.Cys402Ser (NM_001271900.2); c.997T>A, p.Cys333Ser (NM_001271948.2, NM_181678.2); c.1030T>A, p.Cys344Ser (NM_001428277.1, NM_001428279.1); c.1228T>A, p.Cys410Ser (NM_181674.3); c.1039T>A, p.Cys347Ser (NM_181676.3); c.970T>A, p.Cys324Ser (NM_181677.2); short protein forms C324S, C333S, C344S, C347S, C350S, C402S, C410S.
Identifiers: ClinVar variation 3372675 (VCV003372675.1).